The following is an entry in ClinVar:

NM_017563.5(IL17RD):c.980-18T>G

Gene: IL17RD (interleukin 17 receptor D; minus strand). Cytogenetic location: 3p14.3.
Variant type: single nucleotide variant.
Coding change: c.980-18T>G on transcript NM_017563.5 (MANE Select); 18 bases into the intron before coding-DNA position 980, T replaced by G.
Molecular consequence: intron variant.
Genome position (GRCh38, 1-based): chr3:57,101,381, A>C on the plus strand (T>G on the coding strand, the complement: IL17RD is on the minus strand). VCF-style: chr3-57101381-A-C. GRCh37 (hg19) VCF-style: chr3-57135409-A-C.
Other names: c.548-18T>G (NM_001318864.2).
Identifiers: ClinVar variation 3768513 (VCV003768513.1).

ClinVar aggregate classification (germline): Uncertain significance (1 of 4 stars; one submission).

Submission:

Women's Health and Genetics/Laboratory Corporation of America, LabCorp
Classification: Uncertain significance. Last evaluated: 2024-12-19. Review status: criteria provided, single submitter. Criteria: LabCorp Variant Classification Summary - May 2015. Collection method: clinical testing. Allele origin: germline.
Comment: Variant summary: IL17RD c.980-18T>G alters a non-conserved nucleotide located at a position not widely known to affect splicing. Several computational tools predict a significant impact on normal splicing: Three predict the variant weakens a 3' acceptor site. One predict the variant no significant impact on splicing. However, these predictions have yet to be confirmed by functional studies. The variant was absent in 213668 control chromosomes. The available data on variant occurrences in the general population are insufficient to allow any conclusion about variant significance. To our knowledge, no occurrence of c.980-18T>G in individuals affected with Hypogonadotropic Hypogonadism 18 With Or Without Anosmia and no experimental evidence demonstrating its impact on protein function have been reported. No submitters have cited clinical-significance assessments for this variant to ClinVar. Based on the evidence outlined above, the variant was classified as uncertain significance.